The following is an entry in ClinVar:

NM_012431.3(SEMA3E):c.288G>A (p.Pro96=)

Gene: SEMA3E (semaphorin 3E; minus strand). Cytogenetic location: 7q21.11.
Variant type: single nucleotide variant.
Coding change: c.288G>A on transcript NM_012431.3 (MANE Select); coding-DNA position 288, G replaced by A.
Protein change: p.Pro96=; no amino-acid change (proline 96 retained).
Molecular consequence: synonymous variant.
Genome position (GRCh38, 1-based): chr7:83,469,291, C>T on the plus strand (G>A on the coding strand, the complement: SEMA3E is on the minus strand). VCF-style: chr7-83469291-C-T. GRCh37 (hg19) VCF-style: chr7-83098607-C-T.
Other names: c.108G>A, p.Pro36= (NM_001178129.2).
Identifiers: ClinVar variation 3350217 (VCV003350217.1).
Genomic context (GRCh38, chr7:83,469,291, plus strand): 5'-AATCATACTTACCGCATCTTTTCCCTTCATTATGCATTCTTCCATTTTTAGAGCTGTACT[C>T]GGCCAGTGTATCTAAAATAAAAGATAATGTACTATTATGACAACTGCATATAAAAATAAA-3'
Protein context (NP_036563.1, residues 86-106): ISDGYKEIHW[Pro96=]STALKMEECI

ClinVar aggregate classification (germline): Likely benign (0 of 4 stars; one submission).

Conditions:
SEMA3E-related disorder. Also called: SEMA3E-related condition.

gnomAD v4.1: 6 of 1,609,384 alleles (0.00037%); highest among the groups gnomAD compares: Non-Finnish European, 0.00042%; no homozygotes.

Submission:

PreventionGenetics, part of Exact Sciences
Classification: Likely benign for SEMA3E-related condition. Last evaluated: 2024-03-08. Review status: no assertion criteria provided. Collection method: clinical testing. Allele origin: germline.
Comment: This variant is classified as likely benign based on ACMG/AMP sequence variant interpretation guidelines (Richards et al. 2015 PMID: 25741868, with internal and published modifications).